The following is an entry in ClinVar:

ClinVar aggregate classification (germline): Uncertain significance (1 of 4 stars; one submission).

Allele frequency attached by ClinVar (database versions not stated): TOPMed 0.00003; ExAC 0.00009; ESP Exome Variant Server 0.00008.
gnomAD v4.1: 4 of 1,571,144 alleles (0.00025%); highest among the groups gnomAD compares: Admixed American, 0.0018%; no homozygotes.

Submission:

Labcorp Genetics (formerly Invitae), Labcorp
Classification: Uncertain significance. Last evaluated: 2025-06-29. Review status: criteria provided, single submitter. Criteria: Invitae Variant Classification Sherloc (09022015). Collection method: clinical testing. Allele origin: germline.
Comment: This sequence change replaces proline, which is neutral and non-polar, with serine, which is neutral and polar, at codon 380 of the TCF3 protein (p.Pro380Ser). The frequency data for this variant in the population databases is considered unreliable, as metrics indicate poor data quality at this position in the gnomAD database. This variant has not been reported in the literature in individuals affected with TCF3-related conditions. ClinVar contains an entry for this variant (Variation ID: 2875715). Invitae Evidence Modeling of protein sequence and biophysical properties (such as structural, functional, and spatial information, amino acid conservation, physicochemical variation, residue mobility, and thermodynamic stability) indicates that this missense variant is not expected to disrupt TCF3 protein function with a negative predictive value of 80%. In summary, the available evidence is currently insufficient to determine the role of this variant in disease. Therefore, it has been classified as a Variant of Uncertain Significance.

NM_003200.5(TCF3):c.1138C>T (p.Pro380Ser)

Gene: TCF3 (transcription factor 3; minus strand). Cytogenetic location: 19p13.3.
Variant type: single nucleotide variant.
Coding change: c.1138C>T on transcript NM_003200.5 (MANE Select); coding-DNA position 1138, C replaced by T.
Protein change: p.Pro380Ser; replaces proline 380 with serine.
Molecular consequence: missense variant.
Genome position (GRCh38, 1-based): chr19:1,619,809, G>A on the plus strand (C>T on the coding strand, the complement: TCF3 is on the minus strand). VCF-style: chr19-1619809-G-A. GRCh37 (hg19) VCF-style: chr19-1619808-G-A.
Other names: c.1138C>T, p.Pro380Ser (NM_001136139.4, NM_001351778.2, NM_001351779.2); short protein forms P380S.
Identifiers: ClinVar variation 2875715 (VCV002875715.3), dbSNP rs145776177, ClinGen allele CA9050041.